The following is an entry in ClinVar:

ClinVar aggregate classification (germline): Uncertain significance (1 of 4 stars; one submission).

gnomAD v4.1: 4 of 1,613,710 alleles (0.00025%); highest among the groups gnomAD compares: Non-Finnish European, 0.00034%; no homozygotes.

Submission:

CeGaT Center for Human Genetics Tuebingen
Classification: Uncertain significance. Last evaluated: 2025-04-01. Review status: criteria provided, single submitter. Criteria: CeGaT Center For Human Genetics Tuebingen Variant Classification Criteria Version 2. Collection method: clinical testing. Allele origin: germline. Affected: yes. Observed: 1 variant allele.
Comment: ITPR1: PP3

NM_001378452.1(ITPR1):c.1090A>T (p.Ile364Phe)

Gene: ITPR1 (inositol 1,4,5-trisphosphate receptor type 1; plus strand). Cytogenetic location: 3p26.1.
Variant type: single nucleotide variant.
Coding change: c.1090A>T on transcript NM_001378452.1 (MANE Select); coding-DNA position 1090, A replaced by T.
Protein change: p.Ile364Phe; replaces isoleucine 364 with phenylalanine.
Molecular consequence: missense variant.
Genome position (GRCh38, 1-based): chr3:4,658,217, A>T. VCF-style: chr3-4658217-A-T. GRCh37 (hg19) VCF-style: chr3-4699901-A-T.
Other names: c.1090A>T, p.Ile364Phe (NM_001099952.4); c.1045A>T, p.Ile349Phe (NM_001168272.2, NM_002222.7); short protein forms I349F, I364F.
Identifiers: ClinVar variation 3905748 (VCV003905748.10).